The following is an entry in ClinVar:

NM_174936.4(PCSK9):c.1836G>T (p.Glu612Asp)

Gene: PCSK9 (proprotein convertase subtilisin/kexin type 9; plus strand). Cytogenetic location: 1p32.3.
Variant type: single nucleotide variant.
Coding change: c.1836G>T on transcript NM_174936.4 (MANE Select); coding-DNA position 1836, G replaced by T.
Protein change: p.Glu612Asp; replaces glutamic acid 612 with aspartic acid.
Molecular consequence: missense variant. On other transcripts: non-coding transcript variant (8).
Genome position (GRCh38, 1-based): chr1:55,061,529, G>T. VCF-style: chr1-55061529-G-T. GRCh37 (hg19) VCF-style: chr1-55527202-G-T.
Other names: c.1959G>T, p.Glu653Asp (NM_001407240.1); c.1878G>T, p.Glu626Asp (NM_001407241.1); c.1839G>T, p.Glu613Asp (NM_001407242.1); c.1779G>T, p.Glu593Asp (NM_001407243.1); c.1662G>T, p.Glu554Asp (NM_001407244.1); c.1644G>T, p.Glu548Asp (NM_001407245.1); c.1461G>T, p.Glu487Asp (NM_001407246.1); c.1335G>T, p.Glu445Asp (NM_001407247.1); short protein forms E612D, E613D, E487D, E653D, E445D, E548D, E554D, E593D.
Identifiers: ClinVar variation 3684323 (VCV003684323.2).

ClinVar aggregate classification (germline): Uncertain significance (1 of 4 stars; one submission).

Conditions:
Hypercholesterolemia, autosomal dominant, 3 (FHCL3). Also called: Familial Hypercholesterolemia, Autosomal Dominant, 3; Familial hypercholesterolemia 3; PCSK9-Related Familial Hypercholesterolemia, Autosomal Dominant. Identifiers: MedGen C1863551, MONDO:0011369, OMIM 603776.

gnomAD v4.1: 1 of 1,602,520 alleles (0.000062%); highest among the groups gnomAD compares: African/African-American, 0.0013%; no homozygotes.

Submission:

Labcorp Genetics (formerly Invitae), Labcorp
Classification: Uncertain significance for Hypercholesterolemia, autosomal dominant, 3. Last evaluated: 2024-10-30. Review status: criteria provided, single submitter. Criteria: Invitae Variant Classification Sherloc (09022015). Collection method: clinical testing. Allele origin: germline.
Comment: This sequence change replaces glutamic acid, which is acidic and polar, with aspartic acid, which is acidic and polar, at codon 612 of the PCSK9 protein (p.Glu612Asp). The frequency data for this variant in the population databases is considered unreliable, as metrics indicate poor data quality at this position in the gnomAD database. This variant has not been reported in the literature in individuals affected with PCSK9-related conditions. Invitae Evidence Modeling of protein sequence and biophysical properties (such as structural, functional, and spatial information, amino acid conservation, physicochemical variation, residue mobility, and thermodynamic stability) indicates that this missense variant is not expected to disrupt PCSK9 protein function with a negative predictive value of 80%. In summary, the available evidence is currently insufficient to determine the role of this variant in disease. Therefore, it has been classified as a Variant of Uncertain Significance.